The following is an entry in ClinVar:

NM_205850.3(SLC24A5):c.304C>T (p.Leu102Phe)

Gene: SLC24A5 (solute carrier family 24 member 5; plus strand). Cytogenetic location: 15q21.1.
Variant type: single nucleotide variant.
Coding change: c.304C>T on transcript NM_205850.3 (MANE Select); coding-DNA position 304, C replaced by T.
Protein change: p.Leu102Phe; replaces leucine 102 with phenylalanine.
Molecular consequence: missense variant.
Genome position (GRCh38, 1-based): chr15:48,134,260, C>T. VCF-style: chr15-48134260-C-T. GRCh37 (hg19) VCF-style: chr15-48426457-C-T.
Other names: short protein forms L102F.
Identifiers: ClinVar variation 4797478 (VCV004797478.1).
Genomic context (GRCh38, chr15:48,134,260, plus strand): 5'-TTGTAAAGACATACTCTTTCACTTTATTAGGCATAACAATCATTTCATTTATGTTCAGCC[C>T]TTGGATTGTCTCAGGATGTTGCAGGCACAACTTTCATGGCAGCGGGCAGTTCAGCTCCTG-3'
Protein context (NP_995322.1, residues 92-112): LPSLEIISES[Leu102Phe]GLSQDVAGTT

ClinVar aggregate classification (germline): Uncertain significance (1 of 4 stars; one submission).

Submission:

Labcorp Genetics (formerly Invitae), Labcorp
Classification: Uncertain significance. Last evaluated: 2025-10-20. Review status: criteria provided, single submitter. Criteria: Invitae Variant Classification Sherloc (09022015). Collection method: clinical testing. Allele origin: germline.
Comment: This sequence change replaces leucine, which is neutral and non-polar, with phenylalanine, which is neutral and non-polar, at codon 102 of the SLC24A5 protein (p.Leu102Phe). This variant is present in population databases (no rsID available, gnomAD 0.004%). This variant has not been reported in the literature in individuals affected with SLC24A5-related conditions. An algorithm developed to predict the effect of missense changes on protein structure and function outputs the following: PolyPhen-2: "Benign". The phenylalanine amino acid residue is found in multiple mammalian species, which suggests that this missense change does not adversely affect protein function. In summary, the available evidence is currently insufficient to determine the role of this variant in disease. Therefore, it has been classified as a Variant of Uncertain Significance.